The following is an entry in ClinVar:

ClinVar aggregate classification (germline): Benign. Review status: criteria provided, multiple submitters, no conflicts (2 of 4 stars). 2 submissions from 2 submitters: Benign (2). Last evaluated 2017-04-27.

Conditions:
Fanconi anemia complementation group C (FANCC). Also called: FANCONI PANCYTOPENIA, TYPE 3; FACC; FANCC-Related Fanconi Anemia; Fanconi anemia, group C. Identifiers: Orphanet 84, MedGen C3468041, MONDO:0009213, OMIM 227645.

Allele frequency attached by ClinVar (database versions not stated): gnomAD exomes 0.00207; 1000 Genomes Project 0.00998; 1000 Genomes Project 30x 0.01077; TOPMed 0.01107.
gnomAD v4.1: 1,773 of 232,368 alleles (0.76%); highest among the groups gnomAD compares: African/African-American, 3.7%; 30 homozygotes.

Submissions (2):

Illumina Laboratory Services, Illumina
Classification: Benign for Fanconi anemia complementation group C. Last evaluated: 2017-04-27. Review status: criteria provided, single submitter. Criteria: ICSL Variant Classification Criteria 13 December 2019. Collection method: clinical testing. Allele origin: germline.
Comment: This variant was observed as part of a predisposition screen in an ostensibly healthy population. A literature search was performed for the gene, cDNA change, and amino acid change (where applicable). No publications were found based on this search. Allele frequency data from public databases was too high to be consistent with this variant causing disease. Therefore, this variant is classified as benign.

Breakthrough Genomics
Classification: Benign. Review status: criteria provided, single submitter. Criteria: ACMG Guidelines, 2015. Collection method: not provided. Allele origin: germline. Inheritance: Autosomal recessive inheritance. Affected: yes.

NM_000136.3(FANCC):c.*1662C>T

Genes: FANCC (FA complementation group C; minus strand), AOPEP (aminopeptidase O (putative); plus strand). Cytogenetic location: 9q22.32.
Variant type: single nucleotide variant.
Coding change: c.*1662C>T on transcript NM_000136.3 (MANE Select); 1662 bases downstream of the stop codon, C replaced by T.
Molecular consequence: 3 prime UTR variant.
Genome position (GRCh38, 1-based): chr9:95,100,045, G>A on the plus strand (C>T on the coding strand, the complement: FANCC is on the minus strand). VCF-style: chr9-95100045-G-A. GRCh37 (hg19) VCF-style: chr9-97862327-G-A.
Other names: c.*1662C>T (NM_001243743.2).
Identifiers: ClinVar variation 912469 (VCV000912469.5), dbSNP rs4647556, ClinGen allele CA196535467.